The following is an entry in ClinVar:

NM_001330260.2(SCN8A):c.2048T>C (p.Val683Ala)

Gene: SCN8A (sodium voltage-gated channel alpha subunit 8; plus strand). Cytogenetic location: 12q13.13.
Variant type: single nucleotide variant.
Coding change: c.2048T>C on transcript NM_001330260.2 (MANE Select); coding-DNA position 2048, T replaced by C.
Protein change: p.Val683Ala; replaces valine 683 with alanine.
Molecular consequence: missense variant.
Genome position (GRCh38, 1-based): chr12:51,745,952, T>C. VCF-style: chr12-51745952-T-C. GRCh37 (hg19) VCF-style: chr12-52139736-T-C.
Other names: c.2048T>C, p.Val683Ala (NM_001177984.3, NM_001369788.1, NM_014191.4); short protein forms V683A.
Identifiers: ClinVar variation 1317249 (VCV001317249.2), dbSNP rs2138828731, ClinGen allele CA384878536.

ClinVar aggregate classification (germline): Uncertain significance (1 of 4 stars; one submission).

Submission:

GeneDx
Classification: Uncertain significance. Last evaluated: 2019-07-18. Review status: criteria provided, single submitter. Criteria: GeneDx Variant Classification Process June 2021. Collection method: clinical testing. Allele origin: germline. Affected: yes.
Comment: Not observed in large population cohorts (Lek et al., 2016); The majority of missense variants in this gene are considered pathogenic (Stenson et al., 2014); In silico analysis, which includes protein predictors and evolutionary conservation, supports a deleterious effect; Has not been previously published as pathogenic or benign to our knowledge